The following is an entry in ClinVar:

NM_000059.4(BRCA2):c.9998T>A (p.Leu3333His)

Gene: BRCA2 (BRCA2 DNA repair associated; plus strand). Cytogenetic location: 13q13.1.
Variant type: single nucleotide variant.
Coding change: c.9998T>A on transcript NM_000059.4 (MANE Select); coding-DNA position 9998, T replaced by A.
Protein change: p.Leu3333His; replaces leucine 3333 with histidine.
Molecular consequence: missense variant. On other transcripts: non-coding transcript variant (1).
Genome position (GRCh38, 1-based): chr13:32,398,511, T>A. VCF-style: chr13-32398511-T-A. GRCh37 (hg19) VCF-style: chr13-32972648-T-A.
Other names: c.9902T>A, p.Leu3301His (NM_001406719.1); c.9947T>A, p.Leu3316His (NM_001406720.1); c.5066T>A, p.Leu1689His (NM_001406721.1); c.3581T>A, p.Leu1194His (NM_001406722.1); short protein forms L1194H, L3333H, L3316H, L1689H, L3301H.
Identifiers: ClinVar variation 2818236 (VCV002818236.3), dbSNP rs1555290016, ClinGen allele CA387767653.

ClinVar aggregate classification (germline): Uncertain significance (1 of 4 stars; one submission).

Conditions:
Hereditary breast ovarian cancer syndrome. Also called: Hereditary breast and ovarian cancer; BRCA1- and BRCA2-Associated Hereditary Breast and Ovarian Cancer; Hereditary breast and ovarian cancer syndrome; Breast and ovarian cancer; Hereditary breast and ovarian cancer syndrome (HBOC); Hereditary breast and/or ovarian cancer syndrome. Identifiers: Orphanet 145, MedGen C0677776, MeSH D061325, MONDO:0003582. Disease mechanism: loss of function.

Submission:

Labcorp Genetics (formerly Invitae), Labcorp
Classification: Uncertain significance for Hereditary breast ovarian cancer syndrome. Last evaluated: 2022-12-03. Review status: criteria provided, single submitter. Criteria: Invitae Variant Classification Sherloc (09022015). Collection method: clinical testing. Allele origin: germline.
Comment: This sequence change replaces leucine, which is neutral and non-polar, with histidine, which is basic and polar, at codon 3333 of the BRCA2 protein (p.Leu3333His). This variant is not present in population databases (gnomAD no frequency). This variant has not been reported in the literature in individuals affected with BRCA2-related conditions. Advanced modeling of protein sequence and biophysical properties (such as structural, functional, and spatial information, amino acid conservation, physicochemical variation, residue mobility, and thermodynamic stability) performed at Invitae indicates that this missense variant is not expected to disrupt BRCA2 protein function. In summary, the available evidence is currently insufficient to determine the role of this variant in disease. Therefore, it has been classified as a Variant of Uncertain Significance.